The following is an entry in ClinVar:

ClinVar aggregate classification (germline): Uncertain significance. Review status: criteria provided, multiple submitters, no conflicts (2 of 4 stars). 2 submissions from 2 submitters: Uncertain significance (2). Last evaluated 2024-06-01.

Conditions:
Acrocallosal syndrome (ACLS). Also called: HALLUX DUPLICATION, POSTAXIAL POLYDACTYLY, AND ABSENCE OF CORPUS CALLOSUM; Schinzel syndrome 1; Absence of corpus callosum with unusual facial appearance, mental deficiency, duplication of the halluces and polydactyly. Identifiers: Orphanet 36, MedGen C0796147, MONDO:0008708, OMIM 200990.
Multiple epiphyseal dysplasia, Al-Gazali type. Also called: Macrocephaly with multiple epiphyseal dysplasia and distinctive facies. Identifiers: Orphanet 166024, MedGen C1846722, MONDO:0011778, OMIM 607131.
Hydrolethalus syndrome 2 (HLS2). Identifiers: Orphanet 2189, MedGen C3279899, MONDO:0013585, OMIM 614120.

Submissions (2):

Fulgent Genetics
Classification: Uncertain significance for Acrocallosal syndrome; Multiple epiphyseal dysplasia, Al-Gazali type; Hydrolethalus syndrome 2. Last evaluated: 2024-06-01. Review status: criteria provided, single submitter. Criteria: ACMG Guidelines, 2015. Collection method: clinical testing. Allele origin: germline.

Labcorp Genetics (formerly Invitae), Labcorp
Classification: Uncertain significance for Acrocallosal syndrome. Last evaluated: 2022-06-05. Review status: criteria provided, single submitter. Criteria: Invitae Variant Classification Sherloc (09022015). Collection method: clinical testing. Allele origin: germline.
Comment: This sequence change replaces serine, which is neutral and polar, with proline, which is neutral and non-polar, at codon 986 of the KIF7 protein (p.Ser986Pro). This variant is not present in population databases (gnomAD no frequency). This variant has not been reported in the literature in individuals affected with KIF7-related conditions. ClinVar contains an entry for this variant (Variation ID: 1378571). Algorithms developed to predict the effect of missense changes on protein structure and function are either unavailable or do not agree on the potential impact of this missense change (SIFT: "Deleterious"; PolyPhen-2: "Possibly Damaging"; Align-GVGD: "Class C0"). In summary, the available evidence is currently insufficient to determine the role of this variant in disease. Therefore, it has been classified as a Variant of Uncertain Significance.

NM_198525.3(KIF7):c.2956T>C (p.Ser986Pro)

Gene: KIF7 (kinesin family member 7; minus strand). Cytogenetic location: 15q26.1.
Variant type: single nucleotide variant.
Coding change: c.2956T>C on transcript NM_198525.3 (MANE Select); coding-DNA position 2956, T replaced by C.
Protein change: p.Ser986Pro; replaces serine 986 with proline.
Molecular consequence: missense variant.
Genome position (GRCh38, 1-based): chr15:89,631,650, A>G on the plus strand (T>C on the coding strand, the complement: KIF7 is on the minus strand). VCF-style: chr15-89631650-A-G. GRCh37 (hg19) VCF-style: chr15-90174881-A-G.
Other names: short protein forms S986P.
Identifiers: ClinVar variation 1378571 (VCV001378571.7), dbSNP rs2141998277, ClinGen allele CA393757361.